The following is an entry in ClinVar:

NM_001371395.1(USP53):c.387G>A (p.Glu129=)

Gene: USP53 (ubiquitin specific peptidase 53; plus strand). Cytogenetic location: 4q26.
Variant type: single nucleotide variant.
Coding change: c.387G>A on transcript NM_001371395.1 (MANE Select); coding-DNA position 387, G replaced by A.
Protein change: p.Glu129=; no amino-acid change (glutamic acid 129 retained).
Molecular consequence: synonymous variant.
Genome position (GRCh38, 1-based): chr4:119,256,260, G>A. VCF-style: chr4-119256260-G-A. GRCh37 (hg19) VCF-style: chr4-120177415-G-A.
Other names: c.387G>A, p.Glu129= (NM_001371396.1, NM_001371397.1, NM_001371398.1 and 6 more transcripts); c.39G>A, p.Glu13= (NM_001389662.1, NM_001389663.1, NM_001389664.1 and 3 more transcripts); c.387G>A (NM_019050.2).
Identifiers: ClinVar variation 2702963 (VCV002702963.4), dbSNP rs61998242, ClinGen allele CA3058899.

ClinVar aggregate classification (germline): Benign/Likely benign. Review status: criteria provided, multiple submitters, no conflicts (2 of 4 stars). 2 submissions from 2 submitters: Benign (1); Likely benign (1). Last evaluated 2026-02-13.

Conditions:
USP53-related disorder. Also called: USP53-related condition.

Allele frequency attached by ClinVar (database versions not stated): gnomAD exomes 0.00016; ExAC 0.00042; ESP Exome Variant Server 0.00152; gnomAD 0.00161; TOPMed 0.00168; 1000 Genomes Project 30x 0.00234; 1000 Genomes Project 0.00260.
gnomAD v4.1: 487 of 1,611,952 alleles (0.03%); highest among the groups gnomAD compares: African/African-American, 0.54%; no homozygotes.

Submissions (2):

PreventionGenetics, part of Exact Sciences
Classification: Likely benign for USP53-related condition. Last evaluated: 2026-02-13. Review status: criteria provided, single submitter. Criteria: ACMG Guidelines, 2015. Collection method: clinical testing. Allele origin: germline.
Comment: This variant is classified as likely benign based on ACMG/AMP sequence variant interpretation guidelines (Richards et al. 2015 PMID: 25741868, with internal and published modifications).

Labcorp Genetics (formerly Invitae), Labcorp
Classification: Benign. Last evaluated: 2025-12-30. Review status: criteria provided, single submitter. Criteria: Invitae Variant Classification Sherloc (09022015). Collection method: clinical testing. Allele origin: germline.